The following is an entry in ClinVar:

NM_000448.3(RAG1):c.1420C>T (p.Arg474Cys)

Gene: RAG1 (recombination activating 1; plus strand). Cytogenetic location: 11p12.
Variant type: single nucleotide variant.
Coding change: c.1420C>T on transcript NM_000448.3 (MANE Select); coding-DNA position 1420, C replaced by T.
Protein change: p.Arg474Cys; replaces arginine 474 with cysteine.
Molecular consequence: missense variant.
Genome position (GRCh38, 1-based): chr11:36,574,724, C>T. VCF-style: chr11-36574724-C-T. GRCh37 (hg19) VCF-style: chr11-36596274-C-T.
Other names: c.1420C>T, p.Arg474Cys (NM_001377277.1, NM_001377278.1, NM_001377279.1 and 1 more transcripts); short protein forms R474C.
Identifiers: ClinVar variation 68683 (VCV000068683.11), dbSNP rs199474678, ClinGen allele CA219806.

ClinVar aggregate classification (germline): Pathogenic. Review status: criteria provided, multiple submitters, no conflicts (2 of 4 stars). 6 submissions from 6 submitters: Pathogenic (5). 1 of the submissions does not count toward it. Last evaluated 2026-01-26.

Conditions:
Primary immunodeficiency or monogenic inflammatory bowel disease.
Autosomal recessive RAG1-related disorders.
Combined immunodeficiency with skin granulomas. Identifiers: Orphanet 157949, MedGen C2673536, MONDO:0009306, OMIM 233650.
Combined immunodeficiency due to partial RAG1 deficiency. Identifiers: Orphanet 231154, MedGen C1835931, MONDO:0012359, OMIM 609889.
Severe combined immunodeficiency, autosomal recessive, T cell-negative, B cell-negative, NK cell-positive. Also called: SCID, T CELL-NEGATIVE, B CELL-NEGATIVE, NK CELL-POSITIVE; SCID, AR, T-cell negative, B-cell negative, NK cell-positive; Severe combined immunodeficiency due to complete RAG1/2 deficiency. Identifiers: Orphanet 331206, MedGen C1832322, MONDO:0011086, OMIM 601457.

Allele frequency attached by ClinVar (database versions not stated): gnomAD exomes 0.00002 and 0.00004; gnomAD 0.00002; TOPMed 0.00005; ExAC 0.00002; ESP Exome Variant Server 0.00008.
gnomAD v4.1: 65 of 1,614,092 alleles (0.004%); highest among the groups gnomAD compares: Non-Finnish European, 0.0055%; no homozygotes.

Submissions (6):

Labcorp Genetics (formerly Invitae), Labcorp
Classification: Pathogenic for Combined immunodeficiency with skin granulomas; Severe combined immunodeficiency, autosomal recessive, T cell-negative, B cell-negative, NK cell-positive. Last evaluated: 2026-01-26. Review status: criteria provided, single submitter. Criteria: Invitae Variant Classification Sherloc (09022015). Collection method: clinical testing. Allele origin: germline.
Comment: This sequence change replaces arginine, which is basic and polar, with cysteine, which is neutral and slightly polar, at codon 474 of the RAG1 protein (p.Arg474Cys). This variant is present in population databases (rs199474678, gnomAD 0.005%). This missense change has been observed in individual(s) with Omenn syndrome, leaky SCID, and combined T and B cell immunodeficiency (PMID: 18822103, 19064334, 24290284, 24472623, 28216420). In at least one individual the data is consistent with being in trans (on the opposite chromosome) from a pathogenic variant. It has also been observed to segregate with disease in related individuals. ClinVar contains an entry for this variant (Variation ID: 68683). Invitae Evidence Modeling of protein sequence and biophysical properties (such as structural, functional, and spatial information, amino acid conservation, physicochemical variation, residue mobility, and thermodynamic stability) has been performed for this missense variant. However, the output from this modeling did not meet the statistical confidence thresholds required to predict the impact of this variant on RAG1 protein function. Experimental studies have shown that this missense change affects RAG1 function (PMID: 21131235, 21502542, 28216420). This variant disrupts the p.Arg474 amino acid residue in RAG1. Other variant(s) that disrupt this residue have been determined to be pathogenic (PMID: 11133745, 11313270, 18822103). This suggests that this residue is clinically significant, and that variants that disrupt this residue are likely to be disease-causing. For these reasons, this variant has been classified as Pathogenic.

Variantyx, Inc.
Classification: Pathogenic for Autosomal recessive RAG1-related disorders. Last evaluated: 2025-08-12. Review status: criteria provided, single submitter. Criteria: Variantyx Assertion Criteria 2022. Collection method: clinical testing. Allele origin: germline. Inheritance: Autosomal recessive inheritance. Affected: no.
Comment: This is a nonsynonymous variant in the RAG1 gene (OMIM: 179615). Pathogenic variants in this gene have been associated with autosomal recessive RAG1-related disorders. This variant has been identified in the homozygous or compound heterozygous state in at least 5 individuals reported in the published literature (PMID: 18822103, 24472623, 32888943, 28216420, 19064334) (PM3_Strong). Functional studies have shown that this variant alters RAG1 protein function (PMID: 28216420) (PS3_Moderate), the alteration lies within a known hotspot for pathogenic variants or a well-established critical functional domain of the RAG1 protein (PMID: 26996199) (PM1), and an aternate amino acid change at this position (p.Arg474His) has been previously reported in similarly affected individuals, which suggests that this residue is biologically important (PMID: 11133745, 11313270, 18822103) (PM5). This variant has a 0.0055% maximum allele frequency in non-founder control populations (PM2). Based on the current evidence, this variant is classified as pathogenic for autosomal recessive RAG1-related disorders.

North West Genomic Laboratory Hub, Manchester University NHS Foundation Trust
Classification: Pathogenic for Primary immunodeficiency or monogenic inflammatory bowel disease. Last evaluated: 2025-06-19. Review status: criteria provided, single submitter. Criteria: ACGS Best Practice Guidelines for Variant Classification in Rare Disease 2024. Collection method: clinical testing. Allele origin: germline. Affected: yes.
Comment: PM3_VStr PS3_Mod PP4_Mod PP3_Supp PM2_Mod

Baylor Genetics
Classification: Pathogenic for Combined immunodeficiency due to partial RAG1 deficiency. Last evaluated: 2024-03-18. Review status: criteria provided, single submitter. Criteria: ACMG Guidelines, 2015. Collection method: clinical testing. Allele origin: unknown.

Laboratorio de Genetica e Diagnostico Molecular, Hospital Israelita Albert Einstein
Classification: Pathogenic for Combined immunodeficiency with skin granulomas. Last evaluated: 2022-08-11. Review status: criteria provided, single submitter. Criteria: ACMG Guidelines, 2015. Collection method: clinical testing. Allele origin: germline. Affected: yes. Observed: 2 variant alleles.
Comment: ACMG classification criteria: PS3 supporting, PS4 moderated, PM2 moderated, PM3 strong, PM5 moderated, PP3 supporting

UniProtKB/Swiss-Prot
No classification provided. Review status: no classification provided. Collection method: not provided. Allele origin: not provided. Not counted in ClinVar's aggregate classification.

Literature cited by the submitters: PubMed 18822103 (cited by Labcorp Genetics (formerly Invitae), Labcorp and Variantyx, Inc.); PubMed 19064334 (cited by Labcorp Genetics (formerly Invitae), Labcorp and Variantyx, Inc.); PubMed 24290284 (cited by Labcorp Genetics (formerly Invitae), Labcorp); PubMed 24472623 (cited by Labcorp Genetics (formerly Invitae), Labcorp and Variantyx, Inc.); PubMed 28216420 (cited by Labcorp Genetics (formerly Invitae), Labcorp and Variantyx, Inc.); PubMed 21131235 (cited by Labcorp Genetics (formerly Invitae), Labcorp); PubMed 21502542 (cited by Labcorp Genetics (formerly Invitae), Labcorp); PubMed 11133745 (cited by Labcorp Genetics (formerly Invitae), Labcorp); PubMed 11313270 (cited by Labcorp Genetics (formerly Invitae), Labcorp); PubMed 32888943 (cited by Variantyx, Inc.).